The following is an entry in ClinVar:

ClinVar aggregate classification (germline): Uncertain significance. Review status: criteria provided, single submitter (1 of 4 stars). 2 submissions from 2 submitters: Uncertain significance (1). 1 of the submissions does not count toward it. Last evaluated 2021-09-30.

Conditions:
KIAA0825-related disorder. Also called: KIAA0825-related condition.

Allele frequency attached by ClinVar (database versions not stated): TOPMed 0.00002; gnomAD 0.00005; gnomAD exomes 0.00006.
gnomAD v4.1: 95 of 1,550,684 alleles (0.0061%); highest among the groups gnomAD compares: Non-Finnish European, 0.0075%; no homozygotes.

Submissions (2):

Ambry Genetics
Classification: Uncertain significance. Last evaluated: 2021-09-30. Review status: criteria provided, single submitter. Criteria: Ambry Variant Classification Scheme 2023. Collection method: clinical testing. Allele origin: germline.

PreventionGenetics, part of Exact Sciences
Classification: Uncertain significance for KIAA0825-related condition. Last evaluated: 2024-07-09. Review status: no assertion criteria provided. Collection method: clinical testing. Allele origin: germline. Not counted in ClinVar's aggregate classification.
Comment: The KIAA0825 c.2570A>T variant is predicted to result in the amino acid substitution p.Tyr857Phe. To our knowledge, this variant has not been reported in the literature. This variant is reported in 0.020% of alleles in individuals of European (Non-Finnish) descent in gnomAD. At this time, the clinical significance of this variant is uncertain due to the absence of conclusive functional and genetic evidence.

NM_001145678.3(KIAA0825):c.2570A>T (p.Tyr857Phe)

Gene: KIAA0825 (KIAA0825; minus strand). Cytogenetic location: 5q15.
Variant type: single nucleotide variant.
Coding change: c.2570A>T on transcript NM_001145678.3 (MANE Select); coding-DNA position 2570, A replaced by T.
Protein change: p.Tyr857Phe; replaces tyrosine 857 with phenylalanine.
Molecular consequence: missense variant. On other transcripts: non-coding transcript variant (1).
Genome position (GRCh38, 1-based): chr5:94,417,293, T>A on the plus strand (A>T on the coding strand, the complement: KIAA0825 is on the minus strand). VCF-style: chr5-94417293-T-A. GRCh37 (hg19) VCF-style: chr5-93752998-T-A.
Other names: c.2585A>T, p.Tyr862Phe (NM_001385712.1, NM_001385713.1, NM_001388325.1); short protein forms Y857F, Y862F.
Identifiers: ClinVar variation 2400668 (VCV002400668.3), dbSNP rs1026880655, ClinGen allele CA123350827.